The following is an entry in ClinVar:

NM_001211.6(BUB1B):c.1368C>T (p.Ile456=)

Gene: BUB1B (BUB1 mitotic checkpoint serine/threonine kinase B; plus strand). Cytogenetic location: 15q15.1.
Variant type: single nucleotide variant.
Coding change: c.1368C>T on transcript NM_001211.6 (MANE Select); coding-DNA position 1368, C replaced by T.
Protein change: p.Ile456=; no amino-acid change (isoleucine 456 retained).
Molecular consequence: synonymous variant.
Genome position (GRCh38, 1-based): chr15:40,199,694, C>T. VCF-style: chr15-40199694-C-T. GRCh37 (hg19) VCF-style: chr15-40491895-C-T.
Other names: p.Ile456=.
Identifiers: ClinVar variation 465361 (VCV000465361.14), dbSNP rs201813238, ClinGen allele CA7475713.

ClinVar aggregate classification (germline): Likely benign. Review status: criteria provided, multiple submitters, no conflicts (2 of 4 stars). 3 submissions from 3 submitters: Likely benign (3). Last evaluated 2025-12-15.

Conditions:
Inborn genetic diseases. Identifiers: MedGen C0950123, MeSH D030342.
Mosaic variegated aneuploidy syndrome 1 (MVA1). Also called: Warburton-Anyane-Yeboa syndrome. Identifiers: Orphanet 1052, MedGen C1850343, MONDO:0009759, OMIM 257300.

Allele frequency attached by ClinVar (database versions not stated): ExAC 0.00001; gnomAD exomes 0.00002 and 0.00005; TOPMed 0.00002; gnomAD 0.00003.
gnomAD v4.1: 85 of 1,613,734 alleles (0.0053%); highest among the groups gnomAD compares: Non-Finnish European, 0.0067%; no homozygotes.

Submissions (3):

Labcorp Genetics (formerly Invitae), Labcorp
Classification: Likely benign for Mosaic variegated aneuploidy syndrome 1. Last evaluated: 2025-12-15. Review status: criteria provided, single submitter. Criteria: Invitae Variant Classification Sherloc (09022015). Collection method: clinical testing. Allele origin: germline.

Mayo Clinic Laboratories, Mayo Clinic
Classification: Likely benign. Last evaluated: 2025-08-18. Review status: criteria provided, single submitter. Criteria: ACMG Guidelines, 2015. Collection method: clinical testing. Allele origin: germline. Observed: 1 variant allele.
Comment: BP4, BP7

Ambry Genetics
Classification: Likely benign for Inborn genetic diseases. Last evaluated: 2022-03-29. Review status: criteria provided, single submitter. Criteria: Ambry Variant Classification Scheme 2023. Collection method: clinical testing. Allele origin: germline.